The following is an entry in ClinVar:

ClinVar aggregate classification (germline): Uncertain significance (1 of 4 stars; one submission).

Conditions:
Idiopathic generalized epilepsy. Also called: Generalised epilepsy; EIG. Identifiers: MedGen C0270850, MONDO:0005579, OMIM 600669.
Hyperaldosteronism, familial, type IV (HALD4). Also called: FH IV; ALDOSTERONISM, PRIMARY, AND HYPERTENSION. Identifiers: Orphanet 642671, MedGen C4310756, MONDO:0014875, OMIM 617027.

Allele frequency attached by ClinVar (database versions not stated): gnomAD exomes below 0.00001.
gnomAD v4.1: 1 of 1,552,950 alleles (0.000064%); highest among the groups gnomAD compares: Non-Finnish European, 0.000087%; no homozygotes.

Submission:

Labcorp Genetics (formerly Invitae), Labcorp
Classification: Uncertain significance for Idiopathic generalized epilepsy; Hyperaldosteronism, familial, type IV. Last evaluated: 2022-07-05. Review status: criteria provided, single submitter. Criteria: Invitae Variant Classification Sherloc (09022015). Collection method: clinical testing. Allele origin: germline.
Comment: This sequence change falls in intron 18 of the CACNA1H gene. It does not directly change the encoded amino acid sequence of the CACNA1H protein. It affects a nucleotide within the consensus splice site. This variant is not present in population databases (gnomAD no frequency). In summary, the available evidence is currently insufficient to determine the role of this variant in disease. Therefore, it has been classified as a Variant of Uncertain Significance. Variants that disrupt the consensus splice site are a relatively common cause of aberrant splicing (PMID: 17576681, 9536098). Algorithms developed to predict the effect of sequence changes on RNA splicing suggest that this variant is not likely to affect RNA splicing. ClinVar contains an entry for this variant (Variation ID: 1014707). This variant has not been reported in the literature in individuals affected with CACNA1H-related conditions.

Literature cited by the submitters: PubMed 17576681; PubMed 9536098.

NM_021098.3(CACNA1H):c.3845+3G>A

Gene: CACNA1H (calcium voltage-gated channel subunit alpha1 H; plus strand). Cytogenetic location: 16p13.3.
Variant type: single nucleotide variant.
Coding change: c.3845+3G>A on transcript NM_021098.3 (MANE Select); 3 bases into the intron after coding-DNA position 3845, G replaced by A.
Molecular consequence: intron variant.
Genome position (GRCh38, 1-based): chr16:1,210,138, G>A. VCF-style: chr16-1210138-G-A. GRCh37 (hg19) VCF-style: chr16-1260138-G-A.
Other names: c.3845+3G>A (NM_001005407.2).
Identifiers: ClinVar variation 1014707 (VCV001014707.6), dbSNP rs1969252611, ClinGen allele CA2201519866.